The following is an entry in ClinVar:

ClinVar aggregate classification (germline): Likely benign (1 of 4 stars; one submission).

Allele frequency attached by ClinVar (database versions not stated): ESP Exome Variant Server 0.00043; gnomAD 0.00058; gnomAD exomes 0.00070; ExAC 0.00144.
gnomAD v4.1: 988 of 1,434,514 alleles (0.069%); highest among the groups gnomAD compares: Middle Eastern, 0.17%; 3 homozygotes.

Submission:

CeGaT Center for Human Genetics Tuebingen
Classification: Likely benign. Last evaluated: 2025-04-01. Review status: criteria provided, single submitter. Criteria: CeGaT Center For Human Genetics Tuebingen Variant Classification Criteria Version 2. Collection method: clinical testing. Allele origin: germline. Affected: yes. Observed: 2 variant alleles.
Comment: NSF: PP2, BS1

NM_006178.4(NSF):c.1291G>A (p.Val431Met)

Genes: LRRC37A2 (leucine rich repeat containing 37 member A2), NSF (N-ethylmaleimide sensitive factor, vesicle fusing ATPase; plus strand). Cytogenetic location: 17q21.31.
Variant type: single nucleotide variant.
Coding change: c.1291G>A on transcript NM_006178.4 (MANE Select); coding-DNA position 1291, G replaced by A.
Protein change: p.Val431Met; replaces valine 431 with methionine.
Molecular consequence: missense variant. On other transcripts: non-coding transcript variant (1).
Genome position (GRCh38, 1-based): chr17:46,694,579, G>A. VCF-style: chr17-46694579-G-A. GRCh37 (hg19) VCF-style: chr17-44771945-G-A.
Other names: short protein forms V431M.
Identifiers: ClinVar variation 2647865 (VCV002647865.24), dbSNP rs373218599, ClinGen allele CA8620206.